The following is an entry in ClinVar:

ClinVar aggregate classification (germline): Benign/Likely benign. Review status: criteria provided, multiple submitters, no conflicts (2 of 4 stars). 4 submissions from 4 submitters: Benign (3); Likely benign (1). Last evaluated 2025-12-23.

Conditions:
Primary ciliary dyskinesia. Also called: Ciliary dyskinesia. Identifiers: Orphanet 244, MedGen C0008780, MONDO:0016575, HP:0012265.

Allele frequency attached by ClinVar (database versions not stated): ExAC 0.00041; gnomAD 0.00094 and 0.00097; ESP Exome Variant Server 0.00123; TOPMed 0.00124; 1000 Genomes Project 0.00140; 1000 Genomes Project 30x 0.00156.
gnomAD v4.1: 387 of 1,612,550 alleles (0.024%); highest among the groups gnomAD compares: African/African-American, 0.34%; no homozygotes.

Submissions (4):

Labcorp Genetics (formerly Invitae), Labcorp
Classification: Benign for Primary ciliary dyskinesia. Last evaluated: 2025-12-23. Review status: criteria provided, single submitter. Criteria: Invitae Variant Classification Sherloc (09022015). Collection method: clinical testing. Allele origin: germline.

Mayo Clinic Laboratories, Mayo Clinic
Classification: Benign. Last evaluated: 2024-10-16. Review status: criteria provided, single submitter. Criteria: ACMG Guidelines, 2015. Collection method: clinical testing. Allele origin: germline. Observed: 1 variant allele.
Comment: BP4, BP7

Blueprint Genetics
Classification: Likely benign. Last evaluated: 2024-06-17. Review status: criteria provided, single submitter. Criteria: ACMG Guidelines, 2015. Collection method: clinical testing. Allele origin: germline.

Ambry Genetics
Classification: Benign for Primary ciliary dyskinesia. Last evaluated: 2018-08-10. Review status: criteria provided, single submitter. Criteria: Ambry Variant Classification Scheme 2023. Collection method: clinical testing. Allele origin: germline.

NM_018139.3(DNAAF2):c.2187A>G (p.Gln729=)

Gene: DNAAF2 (dynein axonemal assembly factor 2; minus strand). Cytogenetic location: 14q21.3.
Variant type: single nucleotide variant.
Coding change: c.2187A>G on transcript NM_018139.3 (MANE Select); coding-DNA position 2187, A replaced by G.
Protein change: p.Gln729=; no amino-acid change (glutamine 729 retained).
Molecular consequence: synonymous variant. On other transcripts: 5 prime UTR variant (1).
Genome position (GRCh38, 1-based): chr14:49,625,869, T>C on the plus strand (A>G on the coding strand, the complement: DNAAF2 is on the minus strand). VCF-style: chr14-49625869-T-C. GRCh37 (hg19) VCF-style: chr14-50092587-T-C.
Other names: p.Gln729=; c.2043A>G, p.Gln681= (NM_001083908.2); c.-25A>G (NM_001378453.1).
Identifiers: ClinVar variation 215525 (VCV000215525.16), dbSNP rs147110554, ClinGen allele CA339078.